The following is an entry in ClinVar:

ClinVar aggregate classification (germline): Uncertain significance (1 of 4 stars; one submission).

Submission:

GeneDx
Classification: Uncertain significance. Last evaluated: 2025-03-17. Review status: criteria provided, single submitter. Criteria: GeneDx Variant Classification Process June 2021. Collection method: clinical testing. Allele origin: germline. Affected: yes.
Comment: Not observed at significant frequency in large population cohorts (gnomAD); In silico analysis supports that this missense variant has a deleterious effect on protein structure/function; Has not been previously published as pathogenic or benign to our knowledge

NM_003024.3(ITSN1):c.2768C>T (p.Pro923Leu)

Gene: ITSN1 (intersectin 1; plus strand). Cytogenetic location: 21q22.11.
Variant type: single nucleotide variant.
Coding change: c.2768C>T on transcript NM_003024.3 (MANE Select); coding-DNA position 2768, C replaced by T.
Protein change: p.Pro923Leu; replaces proline 923 with leucine.
Molecular consequence: missense variant.
Genome position (GRCh38, 1-based): chr21:33,818,307, C>T. VCF-style: chr21-33818307-C-T. GRCh37 (hg19) VCF-style: chr21-35190611-C-T.
Other names: c.2768C>T, p.Pro923Leu (NM_001001132.2, NM_001331008.2); c.2753C>T, p.Pro918Leu (NM_001331009.2, NM_001331010.2, NM_001331011.2); c.2642C>T, p.Pro881Leu (NM_001331012.2); short protein forms P881L, P918L, P923L.
Identifiers: ClinVar variation 3370928 (VCV003370928.2).